The following is an entry in ClinVar:

ClinVar aggregate classification (germline): Uncertain significance (1 of 4 stars; one submission).

Submission:

CeGaT Center for Human Genetics Tuebingen
Classification: Uncertain significance. Last evaluated: 2024-09-01. Review status: criteria provided, single submitter. Criteria: CeGaT Center For Human Genetics Tuebingen Variant Classification Criteria Version 2. Collection method: clinical testing. Allele origin: germline. Affected: yes. Observed: 1 variant allele.
Comment: TSC2: PM2

NM_000548.5(TSC2):c.3806C>T (p.Ser1269Phe)

Gene: TSC2 (TSC complex subunit 2; plus strand). Cytogenetic location: 16p13.3.
Variant type: single nucleotide variant.
Coding change: c.3806C>T on transcript NM_000548.5 (MANE Select); coding-DNA position 3806, C replaced by T.
Protein change: p.Ser1269Phe; replaces serine 1269 with phenylalanine.
Molecular consequence: missense variant. On other transcripts: non-coding transcript variant (5).
Genome position (GRCh38, 1-based): chr16:2,081,790, C>T. VCF-style: chr16-2081790-C-T. GRCh37 (hg19) VCF-style: chr16-2131791-C-T.
Other names: c.3674C>T, p.Ser1225Phe (NM_001077183.3, NM_001370404.1, NM_001406665.1); c.3806C>T, p.Ser1269Phe (NM_001114382.3); c.3566C>T, p.Ser1189Phe (NM_001318827.2); c.3530C>T, p.Ser1177Phe (NM_001318829.2); c.3074C>T, p.Ser1025Phe (NM_001318831.2, NM_001406687.1, NM_001406688.1); c.3707C>T, p.Ser1236Phe (NM_001318832.2); c.3677C>T, p.Ser1226Phe (NM_001363528.2, NM_001370405.1, NM_021055.3); c.3803C>T, p.Ser1268Phe (NM_001406663.1, NM_001406664.1); and 18 more; short protein forms S1025F, S1026F, S1068F, S1069F, S1072F, S1176F, S1177F, S1188F.
Identifiers: ClinVar variation 3389675 (VCV003389675.14).